The following is an entry in ClinVar:

ClinVar aggregate classification (germline): Uncertain significance. Review status: criteria provided, multiple submitters, no conflicts (2 of 4 stars). 3 submissions from 3 submitters: Uncertain significance (3). Last evaluated 2025-05-18.

Conditions:
C1 inhibitor deficiency. Identifiers: MedGen C1852700, MONDO:0007361, OMIM 120790.
Hereditary angioedema type 1 (HAE1). Identifiers: Orphanet 100050, Orphanet 100051, Orphanet 91378, MedGen C2717906, MONDO:0015053, OMIM 106100.

Allele frequency attached by ClinVar (database versions not stated): gnomAD 0.00009; 1000 Genomes Project 30x 0.00016; 1000 Genomes Project 0.00020.
gnomAD v4.1: 28 of 1,614,164 alleles (0.0017%); highest among the groups gnomAD compares: Admixed American, 0.037%; no homozygotes.

Submissions (3):

Labcorp Genetics (formerly Invitae), Labcorp
Classification: Uncertain significance. Last evaluated: 2025-05-18. Review status: criteria provided, single submitter. Criteria: Invitae Variant Classification Sherloc (09022015). Collection method: clinical testing. Allele origin: germline.
Comment: This sequence change replaces alanine, which is neutral and non-polar, with threonine, which is neutral and polar, at codon 333 of the SERPING1 protein (p.Ala333Thr). This variant is not present in population databases (gnomAD no frequency). This variant has not been reported in the literature in individuals affected with SERPING1-related conditions. ClinVar contains an entry for this variant (Variation ID: 1379992). An algorithm developed to predict the effect of missense changes on protein structure and function outputs the following: PolyPhen-2: "Possibly Damaging". The threonine amino acid residue is found in multiple mammalian species, which suggests that this missense change does not adversely affect protein function. This variant disrupts the p.Ala333 amino acid residue in SERPING1. Other variant(s) that disrupt this residue have been observed in individuals with SERPING1-related conditions (PMID: 18586324, 22129507), which suggests that this may be a clinically significant amino acid residue. In summary, the available evidence is currently insufficient to determine the role of this variant in disease. Therefore, it has been classified as a Variant of Uncertain Significance.

Fulgent Genetics
Classification: Uncertain significance for Hereditary angioedema type 1; C1 inhibitor deficiency. Last evaluated: 2022-04-05. Review status: criteria provided, single submitter. Criteria: ACMG Guidelines, 2015. Collection method: clinical testing. Allele origin: unknown.

Blueprint Genetics
Classification: Uncertain significance. Last evaluated: 2022-01-07. Review status: criteria provided, single submitter. Criteria: ACMG Guidelines, 2015. Collection method: clinical testing. Allele origin: germline.

Literature cited by the submitters: PubMed 18586324 (cited by Labcorp Genetics (formerly Invitae), Labcorp); PubMed 22129507 (cited by Labcorp Genetics (formerly Invitae), Labcorp).

NM_000062.3(SERPING1):c.997G>A (p.Ala333Thr)

Gene: SERPING1 (serpin family G member 1; plus strand). Cytogenetic location: 11q12.1.
Variant type: single nucleotide variant.
Coding change: c.997G>A on transcript NM_000062.3 (MANE Select); coding-DNA position 997, G replaced by A.
Protein change: p.Ala333Thr; replaces alanine 333 with threonine.
Molecular consequence: missense variant.
Genome position (GRCh38, 1-based): chr11:57,606,515, G>A. VCF-style: chr11-57606515-G-A. GRCh37 (hg19) VCF-style: chr11-57373988-G-A.
Other names: c.997G>A, p.Ala333Thr (NM_001032295.2); short protein forms A333T.
Identifiers: ClinVar variation 1379992 (VCV001379992.10), dbSNP rs202192543, ClinGen allele CA6008174.